The following is an entry in ClinVar:

ClinVar aggregate classification (germline): Uncertain significance. Review status: criteria provided, single submitter (1 of 4 stars). 3 submissions from 3 submitters: Uncertain significance (1). 2 of the submissions do not count toward it. Last evaluated 2022-05-04.

Conditions:
Retinal dystrophy. Also called: Inherited retinal dystrophy. Identifiers: Orphanet 71862, MedGen C0854723, MeSH D058499, MONDO:0019118, HP:0000556.
Alstrom syndrome (ALMS). Identifiers: Orphanet 64, MedGen C0268425, MONDO:0008763, OMIM 203800.

Submissions (3):

Labcorp Genetics (formerly Invitae), Labcorp
Classification: Uncertain significance for Alstrom syndrome. Last evaluated: 2022-05-04. Review status: criteria provided, single submitter. Criteria: Invitae Variant Classification Sherloc (09022015). Collection method: clinical testing. Allele origin: germline.
Comment: This variant, c.8321_8323del, results in the deletion of 1 amino acid(s) of the ALMS1 protein (p.Ser2774del), but otherwise preserves the integrity of the reading frame. This variant is present in population databases (rs770459045, gnomAD 0.02%). This variant has not been reported in the literature in individuals affected with ALMS1-related conditions. ClinVar contains an entry for this variant (Variation ID: 553138). Experimental studies and prediction algorithms are not available or were not evaluated, and the functional significance of this variant is currently unknown. In summary, the available evidence is currently insufficient to determine the role of this variant in disease. Therefore, it has been classified as a Variant of Uncertain Significance.

Institute of Human Genetics, Univ. Regensburg, Univ. Regensburg
Classification: Uncertain significance for Retinal dystrophy. Last evaluated: 2023-01-01. Review status: no assertion criteria provided. Criteria: ACMG Guidelines, 2015. Collection method: clinical testing. Allele origin: germline. Affected: yes. Not counted in ClinVar's aggregate classification.

Counsyl
Classification: Uncertain significance for Alstrom syndrome. Last evaluated: 2017-08-03. Review status: no assertion criteria provided. Collection method: clinical testing. Allele origin: unknown. Not counted in ClinVar's aggregate classification.

NM_001378454.1(ALMS1):c.8315CAT[1] (p.Ser2773del)

Gene: ALMS1 (ALMS1 centrosome and basal body associated protein; plus strand). Cytogenetic location: 2p13.1.
Variant type: Microsatellite.
Coding change: c.8315CAT[1] on transcript NM_001378454.1 (MANE Select); one copy of the 3-base unit CAT starting at c.8315; the reference has two copies in a row; one copy, 3 bases deleted; also written c.8318_8320del.
Protein change: p.Ser2773del; deletes serine 2773.
Molecular consequence: inframe deletion.
Genome position (GRCh38, 1-based): chr2:73,490,277-73,490,279, CAT deleted; deleting any 3 consecutive bases within chr2:73,490,273-73,490,279 gives the same sequence; the position shown is the placement nearest the transcript's 3' end. VCF-style (leftmost placement, unchanged base first): chr2-73490272-TTCA-T. GRCh37 (hg19) VCF-style: chr2-73717399-TTCA-T.
Other names: c.8321_8323delCAT (NM_015120.4); c.8318CAT[1], p.Ser2774del (NM_015120.4); c.8318_8320del (NM_001378454.1); short protein forms S2774del, S2773del.
Identifiers: ClinVar variation 553138 (VCV000553138.5), dbSNP rs770459045, ClinGen allele CA1714444.